The following is an entry in ClinVar:

NM_004304.5(ALK):c.210C>G (p.Asp70Glu)

Gene: ALK (ALK receptor tyrosine kinase; minus strand). Cytogenetic location: 2p23.1.
Variant type: single nucleotide variant.
Coding change: c.210C>G on transcript NM_004304.5 (MANE Select); coding-DNA position 210, C replaced by G.
Protein change: p.Asp70Glu; replaces aspartic acid 70 with glutamic acid.
Molecular consequence: missense variant.
Genome position (GRCh38, 1-based): chr2:29,920,450, G>C on the plus strand (C>G on the coding strand, the complement: ALK is on the minus strand). VCF-style: chr2-29920450-G-C. GRCh37 (hg19) VCF-style: chr2-30143316-G-C.
Other names: short protein forms D70E.
Identifiers: ClinVar variation 3524189 (VCV003524189.1).

ClinVar aggregate classification (germline): Uncertain significance (1 of 4 stars; one submission).

Conditions:
Hereditary cancer-predisposing syndrome. Also called: Hereditary Cancer Syndrome; Hereditary neoplastic syndrome; Tumor predisposition; Neoplastic Syndromes, Hereditary. Identifiers: Orphanet 140162, MedGen C0027672, MeSH D009386, MONDO:0015356.

Submission:

Ambry Genetics
Classification: Uncertain significance for Hereditary cancer-predisposing syndrome. Last evaluated: 2024-07-25. Review status: criteria provided, single submitter. Criteria: Ambry Variant Classification Scheme 2023. Collection method: clinical testing. Allele origin: germline.
Comment: The p.D70E variant (also known as c.210C>G), located in coding exon 1 of the ALK gene, results from a C to G substitution at nucleotide position 210. The aspartic acid at codon 70 is replaced by glutamic acid, an amino acid with highly similar properties. This amino acid position is conserved. In addition, this alteration is predicted to be tolerated by in silico analysis. Based on the available evidence, the clinical significance of this variant remains unclear.